The following is an entry in ClinVar:

NM_024757.5(EHMT1):c.3180+1G>T

Gene: EHMT1 (euchromatic histone lysine methyltransferase 1; plus strand). Cytogenetic location: 9q34.3.
Variant type: single nucleotide variant.
Coding change: c.3180+1G>T on transcript NM_024757.5 (MANE Select); the canonical splice donor site of the intron after coding-DNA position 3180, G replaced by T.
Molecular consequence: splice donor variant.
Genome position (GRCh38, 1-based): chr9:137,813,531, G>T. VCF-style: chr9-137813531-G-T. GRCh37 (hg19) VCF-style: chr9-140707983-G-T.
Other names: c.3159+1G>T (NM_001354263.2).
Identifiers: ClinVar variation 65735 (VCV000065735.3), dbSNP rs137852724, ClinGen allele CA345060.

ClinVar aggregate classification (germline): Pathogenic. Review status: criteria provided, single submitter (1 of 4 stars). 2 submissions from 2 submitters: Pathogenic (1). 1 of the submissions does not count toward it.

Conditions:
Kleefstra syndrome 1 (KLEFS1). Identifiers: Orphanet 261494, MedGen C0795833, MONDO:0027407, OMIM 610253.

Submissions (2):

Laboratory of Genetics, Children's Clinical University Hospital Latvia
Classification: Pathogenic for Kleefstra syndrome 1. Review status: criteria provided, single submitter. Criteria: ACMG Guidelines, 2015. Collection method: curation. Allele origin: germline. Affected: yes.
Comment: Inheritance unknown

GeneReviews
No classification provided. Condition: Kleefstra syndrome 1. Review status: no classification provided. Collection method: literature only. Allele origin: germline. Affected: yes. Not counted in ClinVar's aggregate classification.
Comment: expected to affect splicing

Literature cited by the submitters: PubMed 39013458 (cited by Laboratory of Genetics, Children's Clinical University Hospital Latvia); NCBI Bookshelf NBK47079 (cited by GeneReviews).